The following is an entry in ClinVar:

NM_145167.3(PIGM):c.371C>T (p.Ala124Val)

Gene: PIGM (phosphatidylinositol glycan anchor biosynthesis class M; minus strand). Cytogenetic location: 1q23.2.
Variant type: single nucleotide variant.
Coding change: c.371C>T on transcript NM_145167.3 (MANE Select); coding-DNA position 371, C replaced by T.
Protein change: p.Ala124Val; replaces alanine 124 with valine.
Molecular consequence: missense variant.
Genome position (GRCh38, 1-based): chr1:160,031,369, G>A on the plus strand (C>T on the coding strand, the complement: PIGM is on the minus strand). VCF-style: chr1-160031369-G-A. GRCh37 (hg19) VCF-style: chr1-160001159-G-A.
Other names: short protein forms A124V.
Identifiers: ClinVar variation 4701576 (VCV004701576.1).

ClinVar aggregate classification (germline): Uncertain significance (1 of 4 stars; one submission).

Conditions:
Hypercoagulability syndrome due to glycosylphosphatidylinositol deficiency (GPIBD1). Also called: GLYCOSYLPHOSPHATIDYLINOSITOL BIOSYNTHESIS DEFECT 1. Identifiers: Orphanet 83639, MedGen C5201145, MONDO:0012465, OMIM 610293.

Submission:

Labcorp Genetics (formerly Invitae), Labcorp
Classification: Uncertain significance for Hypercoagulability syndrome due to glycosylphosphatidylinositol deficiency. Last evaluated: 2025-03-17. Review status: criteria provided, single submitter. Criteria: Invitae Variant Classification Sherloc (09022015). Collection method: clinical testing. Allele origin: germline.
Comment: This sequence change replaces alanine, which is neutral and non-polar, with valine, which is neutral and non-polar, at codon 124 of the PIGM protein (p.Ala124Val). This variant is present in population databases (rs755111230, gnomAD 0.003%). This variant has not been reported in the literature in individuals affected with PIGM-related conditions. Invitae Evidence Modeling of protein sequence and biophysical properties (such as structural, functional, and spatial information, amino acid conservation, physicochemical variation, residue mobility, and thermodynamic stability) indicates that this missense variant is not expected to disrupt PIGM protein function with a negative predictive value of 80%. In summary, the available evidence is currently insufficient to determine the role of this variant in disease. Therefore, it has been classified as a Variant of Uncertain Significance.